The following is an entry in ClinVar:

NM_007103.4(NDUFV1):c.565T>C (p.Ser189Pro)

Gene: NDUFV1 (NADH:ubiquinone oxidoreductase core subunit V1; plus strand). Cytogenetic location: 11q13.2.
Variant type: single nucleotide variant.
Coding change: c.565T>C on transcript NM_007103.4 (MANE Select); coding-DNA position 565, T replaced by C.
Protein change: p.Ser189Pro; replaces serine 189 with proline.
Molecular consequence: missense variant.
Genome position (GRCh38, 1-based): chr11:67,610,435, T>C. VCF-style: chr11-67610435-T-C. GRCh37 (hg19) VCF-style: chr11-67377906-T-C.
Other names: c.538T>C, p.Ser180Pro (NM_001166102.2); short protein forms S180P, S189P.
Identifiers: ClinVar variation 1901057 (VCV001901057.3), dbSNP rs900939556, ClinGen allele CA224180127.

ClinVar aggregate classification (germline): Uncertain significance. Review status: criteria provided, multiple submitters, no conflicts (2 of 4 stars). 2 submissions from 2 submitters: Uncertain significance (2). Last evaluated 2024-06-03.

Allele frequency attached by ClinVar (database versions not stated): gnomAD exomes 0.00001; TOPMed 0.00001.
gnomAD v4.1: 5 of 1,614,176 alleles (0.00031%); highest among the groups gnomAD compares: Admixed American, 0.005%; no homozygotes.

Submissions (2):

Women's Health and Genetics/Laboratory Corporation of America, LabCorp
Classification: Uncertain significance. Last evaluated: 2024-06-03. Review status: criteria provided, single submitter. Criteria: LabCorp Variant Classification Summary - May 2015. Collection method: clinical testing. Allele origin: germline.
Comment: Variant summary: NDUFV1 c.565T>C (p.Ser189Pro) results in a non-conservative amino acid change located in the NADH-ubiquinone oxidoreductase 51kDa subunit, FMN-binding domain (IPR011538) of the encoded protein sequence. Five of five in-silico tools predict a damaging effect of the variant on protein function. The variant allele was found at a frequency of 4e-06 in 251496 control chromosomes. The available data on variant occurrences in the general population are insufficient to allow any conclusion about variant significance. c.565T>C has been reported in the literature in at least one compound heterozygous individual affected with progressive cavitating leukoencephalopathy (e.g. Becker_2022). These data do not provide sufficient evidence to allow any conclusion about variant significance. To our knowledge, no experimental evidence demonstrating an impact on protein function has been reported. The following publication has been ascertained in the context of this evaluation (PMID: 36163075). ClinVar contains an entry for this variant (Variation ID: 1901057). Based on the evidence outlined above, the variant was classified as uncertain significance.

Labcorp Genetics (formerly Invitae), Labcorp
Classification: Uncertain significance. Last evaluated: 2022-11-01. Review status: criteria provided, single submitter. Criteria: Invitae Variant Classification Sherloc (09022015). Collection method: clinical testing. Allele origin: germline.
Comment: This sequence change replaces serine, which is neutral and polar, with proline, which is neutral and non-polar, at codon 189 of the NDUFV1 protein (p.Ser189Pro). This variant is present in population databases (no rsID available, gnomAD 0.003%). This variant has not been reported in the literature in individuals affected with NDUFV1-related conditions. Advanced modeling of protein sequence and biophysical properties (such as structural, functional, and spatial information, amino acid conservation, physicochemical variation, residue mobility, and thermodynamic stability) performed at Invitae indicates that this missense variant is not expected to disrupt NDUFV1 protein function. In summary, the available evidence is currently insufficient to determine the role of this variant in disease. Therefore, it has been classified as a Variant of Uncertain Significance.

Literature cited by the submitters: PubMed 36163075 (cited by Women's Health and Genetics/Laboratory Corporation of America, LabCorp).